The following is an entry in ClinVar:

NM_005816.5(CD96):c.743A>G (p.Lys248Arg)

Gene: CD96 (CD96 molecule; plus strand). Cytogenetic location: 3q13.13.
Variant type: single nucleotide variant.
Coding change: c.743A>G on transcript NM_005816.5 (MANE Select); coding-DNA position 743, A replaced by G.
Protein change: p.Lys248Arg; replaces lysine 248 with arginine.
Molecular consequence: missense variant. On other transcripts: non-coding transcript variant (1).
Genome position (GRCh38, 1-based): chr3:111,579,226, A>G. VCF-style: chr3-111579226-A-G. GRCh37 (hg19) VCF-style: chr3-111298073-A-G.
Other names: c.743A>G, p.Lys248Arg (NM_001318889.2, NM_001410800.1); c.791A>G, p.Lys264Arg (NM_198196.3); short protein forms K248R, K264R.
Identifiers: ClinVar variation 2021894 (VCV002021894.4), dbSNP rs1005724903, ClinGen allele CA80748873.

ClinVar aggregate classification (germline): Uncertain significance (1 of 4 stars; one submission).

Allele frequency attached by ClinVar (database versions not stated): gnomAD 0.00001; gnomAD exomes 0.00001.

Submission:

Labcorp Genetics (formerly Invitae), Labcorp
Classification: Uncertain significance. Last evaluated: 2022-08-05. Review status: criteria provided, single submitter. Criteria: Invitae Variant Classification Sherloc (09022015). Collection method: clinical testing. Allele origin: germline.
Comment: This variant is not present in population databases (gnomAD no frequency). In summary, the available evidence is currently insufficient to determine the role of this variant in disease. Therefore, it has been classified as a Variant of Uncertain Significance. Algorithms developed to predict the effect of sequence changes on RNA splicing suggest that this variant may disrupt the consensus splice site. Algorithms developed to predict the effect of missense changes on protein structure and function output the following: SIFT: "Tolerated"; PolyPhen-2: "Benign"; Align-GVGD: "Class C0". The arginine amino acid residue is found in multiple mammalian species, which suggests that this missense change does not adversely affect protein function. This variant has not been reported in the literature in individuals affected with CD96-related conditions. This sequence change replaces lysine, which is basic and polar, with arginine, which is basic and polar, at codon 264 of the CD96 protein (p.Lys264Arg).